The following is an entry in ClinVar:

NM_000540.3(RYR1):c.10344C>T (p.Ser3448=)

Gene: RYR1 (ryanodine receptor 1; plus strand). Cytogenetic location: 19q13.2.
Variant type: single nucleotide variant.
Coding change: c.10344C>T on transcript NM_000540.3 (MANE Select); coding-DNA position 10344, C replaced by T.
Protein change: p.Ser3448=; no amino-acid change (serine 3448 retained).
Molecular consequence: synonymous variant.
Genome position (GRCh38, 1-based): chr19:38,523,112, C>T. VCF-style: chr19-38523112-C-T. GRCh37 (hg19) VCF-style: chr19-39013752-C-T.
Other names: c.10344C>T, p.Ser3448= (NM_001042723.2).
Identifiers: ClinVar variation 1159516 (VCV001159516.10), dbSNP rs754547795, ClinGen allele CA053094.

ClinVar aggregate classification (germline): Likely benign. Review status: criteria provided, multiple submitters, no conflicts (2 of 4 stars). 3 submissions from 3 submitters: Likely benign (3). Last evaluated 2025-12-24.

Conditions:
Malignant hyperthermia, susceptibility to, 1 (MHS1). Also called: RYR1-Related Malignant Hyperthermia Susceptibility; Anesthesia related hyperthermia; Malignant hyperpyrexia; Fulminating hyperpyrexia; Pharmacogenic myopathy; Malignant hyperthermia suceptibility 1. Identifiers: Orphanet 423, MedGen C2930980, MONDO:0007783, OMIM 145600.
RYR1-related disorder. Also called: RYR1-related disorders; RYR1-related condition. Identifiers: MedGen CN239331.

Allele frequency attached by ClinVar (database versions not stated): gnomAD exomes 0.00004 and 0.00012; ExAC 0.00006; gnomAD 0.00011.
gnomAD v4.1: 69 of 1,613,520 alleles (0.0043%); highest among the groups gnomAD compares: Non-Finnish European, 0.00051%; no homozygotes.

Submissions (3):

Labcorp Genetics (formerly Invitae), Labcorp
Classification: Likely benign for RYR1-related disorder. Last evaluated: 2025-12-24. Review status: criteria provided, single submitter. Criteria: Invitae Variant Classification Sherloc (09022015). Collection method: clinical testing. Allele origin: germline.

All of Us Research Program, National Institutes of Health
Classification: Likely benign for Malignant hyperthermia, susceptibility to, 1. Last evaluated: 2023-02-15. Review status: criteria provided, single submitter. Criteria: ACMG Guidelines, 2015. Collection method: clinical testing. Allele origin: germline. Inheritance: Autosomal dominant inheritance. Observed: 1 variant allele, 1 heterozygote.
Comment: This study involves interpretation of variants in research participants for the purpose of population health screening. Participant phenotype was not available at the time of variant classification. Additional details can be found in publication PMID: 35346344, PMCID: PMC8962531

Color Diagnostics, LLC DBA Color Health
Classification: Likely benign for Malignant hyperthermia, susceptibility to, 1. Last evaluated: 2022-11-06. Review status: criteria provided, single submitter. Criteria: ACMG Guidelines, 2015. Collection method: clinical testing. Allele origin: germline.